The following is an entry in ClinVar:

ClinVar aggregate classification (germline): Likely pathogenic (1 of 4 stars; one submission).

Conditions:
Autosomal recessive limb-girdle muscular dystrophy type 2J (LGMDR10). Also called: Limb-girdle muscular dystrophy, type 2J; MUSCULAR DYSTROPHY, LIMB-GIRDLE, AUTOSOMAL RECESSIVE 10. Identifiers: Orphanet 140922, MedGen C1837342, MONDO:0012127, OMIM 608807.
Dilated cardiomyopathy 1G (CMD1G). Identifiers: Orphanet 154, MedGen C1858763, MONDO:0011400, OMIM 604145.

Submission:

Labcorp Genetics (formerly Invitae), Labcorp
Classification: Likely pathogenic for Dilated cardiomyopathy 1G; Autosomal recessive limb-girdle muscular dystrophy type 2J. Last evaluated: 2025-06-11. Review status: criteria provided, single submitter. Criteria: Invitae Variant Classification Sherloc (09022015). Collection method: clinical testing. Allele origin: germline.
Comment: This sequence change creates a premature translational stop signal (p.Ser30313*) in the TTN gene. While this is not anticipated to result in nonsense mediated decay, it is expected to create a truncated TTN protein. This variant is not present in population databases (gnomAD no frequency). This premature translational stop signal has been observed in individual(s) with dilated cardiomyopathy (internal data). This variant is located in the A band of TTN (PMID: 25589632). Truncating variants in this region are significantly overrepresented in patients affected with dilated cardiomyopathy (PMID: 25589632). Truncating variants in this region have also been reported in individuals affected with autosomal recessive centronuclear myopathy (PMID: 23975875). In summary, the currently available evidence indicates that the variant is pathogenic, but additional data are needed to prove that conclusively. Therefore, this variant has been classified as Likely Pathogenic.

Literature cited by the submitters: PubMed 25589632; PubMed 23975875.

NM_001267550.2(TTN):c.90938C>A (p.Ser30313Ter)

Genes: TTN-AS1 (TTN antisense RNA 1; plus strand), TTN (titin; minus strand). Cytogenetic location: 2q31.2.
Variant type: single nucleotide variant.
Coding change: c.90938C>A on transcript NM_001267550.2 (MANE Select); coding-DNA position 90938, C replaced by A.
Protein change: p.Ser30313Ter; replaces serine 30313 with a stop codon.
Molecular consequence: nonsense.
Genome position (GRCh38, 1-based): chr2:178,551,962, G>T on the plus strand (C>A on the coding strand, the complement: TTN is on the minus strand). VCF-style: chr2-178551962-G-T. GRCh37 (hg19) VCF-style: chr2-179416689-G-T.
Other names: c.86015C>A, p.Ser28672Ter (NM_001256850.1); c.63743C>A, p.Ser21248Ter (NM_003319.4); c.83234C>A, p.Ser27745Ter (NM_133378.4); c.64118C>A, p.Ser21373Ter (NM_133432.3); c.64319C>A, p.Ser21440Ter (NM_133437.4); short protein forms S21248*, S21373*, S30313*, S27745*, S21440*, S28672*.
Identifiers: ClinVar variation 4785263 (VCV004785263.1).